The following is an entry in ClinVar:

ClinVar aggregate classification (germline): Uncertain significance (1 of 4 stars; one submission).

Conditions:
Aortic aneurysm, familial thoracic 7 (AAT7). Also called: AORTIC DISSECTION, FAMILIAL, WITH OR WITHOUT AORTIC ANEURYSM. Identifiers: MedGen C3151077, MONDO:0013418, OMIM 613780.

gnomAD v4.1: 1 of 1,614,238 alleles (0.000062%); highest among the groups gnomAD compares: Admixed American, 0.0017%; no homozygotes.

Submission:

Labcorp Genetics (formerly Invitae), Labcorp
Classification: Uncertain significance for Aortic aneurysm, familial thoracic 7. Last evaluated: 2024-02-01. Review status: criteria provided, single submitter. Criteria: Invitae Variant Classification Sherloc (09022015). Collection method: clinical testing. Allele origin: germline.
Comment: This sequence change replaces tyrosine, which is neutral and polar, with histidine, which is basic and polar, at codon 1498 of the MYLK protein (p.Tyr1498His). This variant is not present in population databases (gnomAD no frequency). This variant has not been reported in the literature in individuals affected with MYLK-related conditions. Advanced modeling of protein sequence and biophysical properties (such as structural, functional, and spatial information, amino acid conservation, physicochemical variation, residue mobility, and thermodynamic stability) performed at Invitae indicates that this missense variant is not expected to disrupt MYLK protein function with a negative predictive value of 80%. In summary, the available evidence is currently insufficient to determine the role of this variant in disease. Therefore, it has been classified as a Variant of Uncertain Significance.

NM_053025.4(MYLK):c.4492T>C (p.Tyr1498His)

Gene: MYLK (myosin light chain kinase; minus strand). Cytogenetic location: 3q21.1.
Variant type: single nucleotide variant.
Coding change: c.4492T>C on transcript NM_053025.4 (MANE Select); coding-DNA position 4492, T replaced by C.
Protein change: p.Tyr1498His; replaces tyrosine 1498 with histidine.
Molecular consequence: missense variant.
Genome position (GRCh38, 1-based): chr3:123,647,351, A>G on the plus strand (T>C on the coding strand, the complement: MYLK is on the minus strand). VCF-style: chr3-123647351-A-G. GRCh37 (hg19) VCF-style: chr3-123366198-A-G.
Other names: c.3964T>C, p.Tyr1322His (NM_001321309.2); c.4285T>C, p.Tyr1429His (NM_053026.4, NM_053028.4); c.4492T>C, p.Tyr1498His (NM_053027.4); short protein forms Y1322H, Y1429H, Y1498H.
Identifiers: ClinVar variation 3612108 (VCV003612108.2).